The following is an entry in ClinVar:

ClinVar aggregate classification (germline): Uncertain significance (1 of 4 stars; one submission).

Conditions:
Ciliary dyskinesia, primary, 37 (CILD37). Also called: CILIARY DYSKINESIA, PRIMARY, 37, WITH OR WITHOUT SITUS INVERSUS. Identifiers: MedGen C4539798, MONDO:0033204, OMIM 617577.
Spermatogenic failure 18. Identifiers: MedGen C4539783, MONDO:0054615, OMIM 617576.

Allele frequency attached by ClinVar (database versions not stated): ExAC 0.00001; gnomAD exomes 0.00001 and 0.00002; TOPMed 0.00001.
gnomAD v4.1: 11 of 1,613,824 alleles (0.00068%); highest among the groups gnomAD compares: Non-Finnish European, 0.00093%; no homozygotes.

Submission:

Labcorp Genetics (formerly Invitae), Labcorp
Classification: Uncertain significance for Ciliary dyskinesia, primary, 37; Spermatogenic failure 18. Last evaluated: 2021-04-03. Review status: criteria provided, single submitter. Criteria: Invitae Variant Classification Sherloc (09022015). Collection method: clinical testing. Allele origin: germline.
Comment: In summary, the available evidence is currently insufficient to determine the role of this variant in disease. Therefore, it has been classified as a Variant of Uncertain Significance. Algorithms developed to predict the effect of missense changes on protein structure and function are either unavailable or do not agree on the potential impact of this missense change (SIFT: "Tolerated"; PolyPhen-2: "Possibly Damaging"; Align-GVGD: "Class C0"). This variant has not been reported in the literature in individuals with DNAH1-related conditions. This variant is present in population databases (rs769690333, ExAC 0.002%). This sequence change replaces isoleucine with valine at codon 1220 of the DNAH1 protein (p.Ile1220Val). The isoleucine residue is highly conserved and there is a small physicochemical difference between isoleucine and valine.

NM_015512.5(DNAH1):c.3658A>G (p.Ile1220Val)

Gene: DNAH1 (dynein axonemal heavy chain 1; plus strand). Cytogenetic location: 3p21.1.
Variant type: single nucleotide variant.
Coding change: c.3658A>G on transcript NM_015512.5 (MANE Select); coding-DNA position 3658, A replaced by G.
Protein change: p.Ile1220Val; replaces isoleucine 1220 with valine.
Molecular consequence: missense variant.
Genome position (GRCh38, 1-based): chr3:52,355,020, A>G. VCF-style: chr3-52355020-A-G. GRCh37 (hg19) VCF-style: chr3-52389036-A-G.
Other names: short protein forms I1220V.
Identifiers: ClinVar variation 1439255 (VCV001439255.8), dbSNP rs769690333, ClinGen allele CA2433642.